The following is an entry in ClinVar:

NM_182961.4(SYNE1):c.4461+87A>T

Gene: SYNE1 (spectrin repeat containing nuclear envelope protein 1; minus strand). Cytogenetic location: 6q25.2.
Variant type: single nucleotide variant.
Coding change: c.4461+87A>T on transcript NM_182961.4 (MANE Select); 87 bases into the intron after coding-DNA position 4461, A replaced by T.
Molecular consequence: intron variant.
Genome position (GRCh38, 1-based): chr6:152,433,708, T>A on the plus strand (A>T on the coding strand, the complement: SYNE1 is on the minus strand). VCF-style: chr6-152433708-T-A. GRCh37 (hg19) VCF-style: chr6-152754843-T-A.
Other names: c.4482+87A>T (NM_033071.5).
Identifiers: ClinVar variation 675450 (VCV000675450.1), dbSNP rs112804945, ClinGen allele CA150221581.

ClinVar aggregate classification (germline): Benign (1 of 4 stars; one submission).

Allele frequency attached by ClinVar (database versions not stated): gnomAD exomes 0.00233; gnomAD 0.02424 and 0.02574; TOPMed 0.02656; 1000 Genomes Project 0.02915; 1000 Genomes Project 30x 0.02967.
gnomAD v4.1: 7,023 of 1,507,780 alleles (0.47%); highest among the groups gnomAD compares: African/African-American, 8.4%; 305 homozygotes.

Submission:

GeneDx
Classification: Benign. Last evaluated: 2018-06-19. Review status: criteria provided, single submitter. Criteria: GeneDx Variant Classification (06012015). Collection method: clinical testing. Allele origin: germline. Affected: yes.
Comment: This variant is considered likely benign or benign based on one or more of the following criteria: it is a conservative change, it occurs at a poorly conserved position in the protein, it is predicted to be benign by multiple in silico algorithms, and/or has population frequency not consistent with disease.